The following is an entry in ClinVar:

ClinVar aggregate classification (germline): Uncertain significance (1 of 4 stars; one submission).

Submission:

Labcorp Genetics (formerly Invitae), Labcorp
Classification: Uncertain significance. Last evaluated: 2024-04-09. Review status: criteria provided, single submitter. Criteria: Invitae Variant Classification Sherloc (09022015). Collection method: clinical testing. Allele origin: germline.
Comment: This sequence change replaces histidine, which is basic and polar, with tyrosine, which is neutral and polar, at codon 150 of the KIAA0556 protein (p.His150Tyr). This variant is not present in population databases (gnomAD no frequency). This variant has not been reported in the literature in individuals affected with KIAA0556-related conditions. Algorithms developed to predict the effect of missense changes on protein structure and function output the following: SIFT: "Not Available"; PolyPhen-2: "Benign"; Align-GVGD: "Not Available". The tyrosine amino acid residue is found in multiple mammalian species, which suggests that this missense change does not adversely affect protein function. In summary, the available evidence is currently insufficient to determine the role of this variant in disease. Therefore, it has been classified as a Variant of Uncertain Significance.

NM_015202.5(KATNIP):c.448C>T (p.His150Tyr)

Gene: KATNIP (katanin interacting protein; plus strand). Cytogenetic location: 16p12.1.
Variant type: single nucleotide variant.
Coding change: c.448C>T on transcript NM_015202.5 (MANE Select); coding-DNA position 448, C replaced by T.
Protein change: p.His150Tyr; replaces histidine 150 with tyrosine.
Molecular consequence: missense variant.
Genome position (GRCh38, 1-based): chr16:27,648,643, C>T. VCF-style: chr16-27648643-C-T. GRCh37 (hg19) VCF-style: chr16-27659964-C-T.
Other names: short protein forms H150Y.
Identifiers: ClinVar variation 3648493 (VCV003648493.2).